The following is an entry in ClinVar:

ClinVar aggregate classification (germline): Uncertain significance (1 of 4 stars; one submission).

Conditions:
Hypertrophic cardiomyopathy 20. Identifiers: MedGen C3151267, MONDO:0013477, OMIM 613876.
Dilated cardiomyopathy 1CC (CMD1CC). Identifiers: Orphanet 154, MedGen C2751084, MONDO:0013147, OMIM 613122.

Allele frequency attached by ClinVar (database versions not stated): gnomAD exomes below 0.00001.
gnomAD v4.1: 1 of 1,613,798 alleles (0.000062%); highest among the groups gnomAD compares: Non-Finnish European, 0.000085%; no homozygotes.

Submission:

Labcorp Genetics (formerly Invitae), Labcorp
Classification: Uncertain significance for Dilated cardiomyopathy 1CC; Hypertrophic cardiomyopathy 20. Last evaluated: 2022-05-20. Review status: criteria provided, single submitter. Criteria: Invitae Variant Classification Sherloc (09022015). Collection method: clinical testing. Allele origin: germline.
Comment: This sequence change replaces glutamine, which is neutral and polar, with arginine, which is basic and polar, at codon 629 of the NEXN protein (p.Gln629Arg). This variant is not present in population databases (gnomAD no frequency). This variant has not been reported in the literature in individuals affected with NEXN-related conditions. Algorithms developed to predict the effect of missense changes on protein structure and function are either unavailable or do not agree on the potential impact of this missense change (SIFT: "Deleterious"; PolyPhen-2: "Probably Damaging"; Align-GVGD: "Class C0"). In summary, the available evidence is currently insufficient to determine the role of this variant in disease. Therefore, it has been classified as a Variant of Uncertain Significance.

NM_144573.4(NEXN):c.1886A>G (p.Gln629Arg)

Gene: NEXN (nexilin F-actin binding protein; plus strand). Cytogenetic location: 1p31.1.
Variant type: single nucleotide variant.
Coding change: c.1886A>G on transcript NM_144573.4 (MANE Select); coding-DNA position 1886, A replaced by G.
Protein change: p.Gln629Arg; replaces glutamine 629 with arginine.
Molecular consequence: missense variant.
Genome position (GRCh38, 1-based): chr1:77,942,687, A>G. VCF-style: chr1-77942687-A-G. GRCh37 (hg19) VCF-style: chr1-78408372-A-G.
Other names: c.1694A>G, p.Gln565Arg (NM_001172309.2); short protein forms Q565R, Q629R.
Identifiers: ClinVar variation 1997176 (VCV001997176.4), dbSNP rs2523311667, ClinGen allele CA340883119.